The following is an entry in ClinVar:

NM_001204.7(BMPR2):c.2640T>A (p.Asp880Glu)

Gene: BMPR2 (bone morphogenetic protein receptor type 2; plus strand). Cytogenetic location: 2q33.2.
Variant type: single nucleotide variant.
Coding change: c.2640T>A on transcript NM_001204.7 (MANE Select); coding-DNA position 2640, T replaced by A.
Protein change: p.Asp880Glu; replaces aspartic acid 880 with glutamic acid.
Molecular consequence: missense variant.
Genome position (GRCh38, 1-based): chr2:202,556,305, T>A. VCF-style: chr2-202556305-T-A. GRCh37 (hg19) VCF-style: chr2-203421028-T-A.
Other names: short protein forms D880E.
Identifiers: ClinVar variation 1794197 (VCV001794197.3), dbSNP rs2468744210, ClinGen allele CA350349182.

ClinVar aggregate classification (germline): Uncertain significance (1 of 4 stars; one submission).

Conditions:
Inborn genetic diseases. Identifiers: MedGen C0950123, MeSH D030342.

Submission:

Ambry Genetics
Classification: Uncertain significance for Inborn genetic diseases. Last evaluated: 2025-05-17. Review status: criteria provided, single submitter. Criteria: Ambry Variant Classification Scheme 2023. Collection method: clinical testing. Allele origin: germline.
Comment: The p.D880E variant (also known as c.2640T>A), located in coding exon 12 of the BMPR2 gene, results from a T to A substitution at nucleotide position 2640. The aspartic acid at codon 880 is replaced by glutamic acid, an amino acid with highly similar properties. This amino acid position is conserved. In addition, this alteration is predicted to be tolerated by in silico analysis. Since supporting evidence is limited at this time, the clinical significance of this alteration remains unclear.